The following is an entry in ClinVar:

NM_000391.4(TPP1):c.617del (p.Arg206fs)

Gene: TPP1 (tripeptidyl peptidase 1; minus strand). Cytogenetic location: 11p15.4.
Variant type: Deletion.
Coding change: c.617del on transcript NM_000391.4 (MANE Select); coding-DNA position 617, one base deleted (G; older notation c.617delG).
Protein change: p.Arg206fs; shifts the reading frame from arginine 206.
Molecular consequence: frameshift variant.
Genome position (GRCh38, 1-based): chr11:6,617,045, C deleted on the plus strand (G on the coding strand, the reverse complement: TPP1 is on the minus strand). VCF-style (leftmost placement, unchanged base first): chr11-6617044-AC-A. GRCh37 (hg19) VCF-style: chr11-6638275-AC-A.
Other names: short protein forms R206fs.
Identifiers: ClinVar variation 2201850 (VCV002201850.4), dbSNP rs2493799376, ClinGen allele CA2580084013.

ClinVar aggregate classification (germline): Pathogenic (1 of 4 stars; one submission).

Submission:

Labcorp Genetics (formerly Invitae), Labcorp
Classification: Pathogenic. Last evaluated: 2022-08-16. Review status: criteria provided, single submitter. Criteria: Invitae Variant Classification Sherloc (09022015). Collection method: clinical testing. Allele origin: germline.
Comment: This variant is not present in population databases (gnomAD no frequency). For these reasons, this variant has been classified as Pathogenic. This variant has not been reported in the literature in individuals affected with TPP1-related conditions. This sequence change creates a premature translational stop signal (p.Arg206Leufs*6) in the TPP1 gene. It is expected to result in an absent or disrupted protein product. Loss-of-function variants in TPP1 are known to be pathogenic (PMID: 10330339).

Literature cited by the submitters: PubMed 10330339.